The following is an entry in ClinVar:

NM_000301.5(PLG):c.2031C>G (p.Ile677Met)

Gene: PLG (plasminogen; plus strand). Cytogenetic location: 6q26.
Variant type: single nucleotide variant.
Coding change: c.2031C>G on transcript NM_000301.5 (MANE Select); coding-DNA position 2031, C replaced by G.
Protein change: p.Ile677Met; replaces isoleucine 677 with methionine.
Molecular consequence: missense variant.
Genome position (GRCh38, 1-based): chr6:160,741,323, C>G. VCF-style: chr6-160741323-C-G. GRCh37 (hg19) VCF-style: chr6-161162355-C-G.
Other names: short protein forms I677M.
Identifiers: ClinVar variation 3619280 (VCV003619280.2).
Genomic context (GRCh38, chr6:160,741,323, plus strand): 5'-AGCTGCGAGCAGAGCAGTCAAACATAACTGCTGATGCTTTTCTTTCAGTCCTGCCGTCAT[C>G]ACTGACAAAGTAATCCCAGCTTGTCTGCCATCCCCAAATTATGTGGTCGCTGACCGGACC-3'
Protein context (NP_000292.1, residues 667-687): ALLKLSSPAV[Ile677Met]TDKVIPACLP

ClinVar aggregate classification (germline): Uncertain significance (1 of 4 stars; one submission).

gnomAD v4.1: 6 of 1,604,090 alleles (0.00037%); highest among the groups gnomAD compares: Admixed American, 0.01%; no homozygotes.

Submission:

Labcorp Genetics (formerly Invitae), Labcorp
Classification: Uncertain significance. Last evaluated: 2024-02-28. Review status: criteria provided, single submitter. Criteria: Invitae Variant Classification Sherloc (09022015). Collection method: clinical testing. Allele origin: germline.
Comment: This sequence change replaces isoleucine, which is neutral and non-polar, with methionine, which is neutral and non-polar, at codon 677 of the PLG protein (p.Ile677Met). This variant is present in population databases (rs773286811, gnomAD 0.01%). This variant has not been reported in the literature in individuals affected with PLG-related conditions. Advanced modeling of protein sequence and biophysical properties (such as structural, functional, and spatial information, amino acid conservation, physicochemical variation, residue mobility, and thermodynamic stability) performed at Invitae indicates that this missense variant is not expected to disrupt PLG protein function with a negative predictive value of 80%. In summary, the available evidence is currently insufficient to determine the role of this variant in disease. Therefore, it has been classified as a Variant of Uncertain Significance.